The following is an entry in ClinVar:

ClinVar aggregate classification (germline): Uncertain significance. Review status: criteria provided, single submitter (1 of 4 stars). 2 submissions from 2 submitters: Uncertain significance (1). 1 of the submissions does not count toward it. Last evaluated 2025-10-02.

Conditions:
UNC13A-related disorder. Also called: UNC13A-related condition.

Allele frequency attached by ClinVar (database versions not stated): gnomAD exomes 0.00007; TOPMed 0.00008; gnomAD 0.00010; ESP Exome Variant Server 0.00016; ExAC 0.00002.
gnomAD v4.1: 112 of 1,613,872 alleles (0.0069%); highest among the groups gnomAD compares: Middle Eastern, 0.099%; no homozygotes.

Submissions (2):

Ambry Genetics
Classification: Uncertain significance. Last evaluated: 2025-10-02. Review status: criteria provided, single submitter. Criteria: Ambry Variant Classification Scheme 2023. Collection method: clinical testing. Allele origin: germline.

PreventionGenetics, part of Exact Sciences
Classification: Likely benign for UNC13A-related condition. Last evaluated: 2023-12-15. Review status: no assertion criteria provided. Collection method: clinical testing. Allele origin: germline. Not counted in ClinVar's aggregate classification.
Comment: This variant is classified as likely benign based on ACMG/AMP sequence variant interpretation guidelines (Richards et al. 2015 PMID: 25741868, with internal and published modifications).

NM_001080421.3(UNC13A):c.2507A>G (p.Asn836Ser)

Gene: UNC13A (unc-13 homolog A; minus strand). Cytogenetic location: 19p13.11.
Variant type: single nucleotide variant.
Coding change: c.2507A>G on transcript NM_001080421.3 (MANE Select); coding-DNA position 2507, A replaced by G.
Protein change: p.Asn836Ser; replaces asparagine 836 with serine.
Molecular consequence: missense variant.
Genome position (GRCh38, 1-based): chr19:17,641,522, T>C on the plus strand (A>G on the coding strand, the complement: UNC13A is on the minus strand). VCF-style: chr19-17641522-T-C. GRCh37 (hg19) VCF-style: chr19-17752331-T-C.
Other names: c.2501A>G, p.Asn834Ser (NM_001387021.1, NM_001387022.1, NM_001387023.1); short protein forms N834S, N836S.
Identifiers: ClinVar variation 2401162 (VCV002401162.5), dbSNP rs201862997, ClinGen allele CA9298226.